The following is an entry in ClinVar:

NM_003005.4(SELP):c.985G>A (p.Ala329Thr)

Gene: SELP (selectin P; minus strand). Cytogenetic location: 1q24.2.
Variant type: single nucleotide variant.
Coding change: c.985G>A on transcript NM_003005.4 (MANE Select); coding-DNA position 985, G replaced by A.
Protein change: p.Ala329Thr; replaces alanine 329 with threonine.
Molecular consequence: missense variant.
Genome position (GRCh38, 1-based): chr1:169,611,654, C>T on the plus strand (G>A on the coding strand, the complement: SELP is on the minus strand). VCF-style: chr1-169611654-C-T. GRCh37 (hg19) VCF-style: chr1-169580892-C-T.
Other names: short protein forms A329T.
Identifiers: ClinVar variation 626017 (VCV000626017.2), dbSNP rs141287418, ClinGen allele CA1235277.
Genomic context (GRCh38, chr1:169,611,654, plus strand): 5'-TGGAGCCATAGGCAAAAGCAGTGAGCGGATGAACACAGTCCATGGTTCCTTCACTGGGGG[C>T]TTCCAGGTGCTGACACTGCACAGCTGGAGAGAATAACCAAGGATAAAGAGAAAGATACTG-3'
Protein context (NP_002996.2, residues 319-339): CKAVQCQHLE[Ala329Thr]PSEGTMDCVH

ClinVar aggregate classification (germline): Uncertain significance (1 of 4 stars; one submission).

Allele frequency attached by ClinVar (database versions not stated): gnomAD 0.00024 and 0.00030; gnomAD exomes 0.00024 and 0.00049; ExAC 0.00047; TOPMed 0.00048; 1000 Genomes Project 0.00100.
gnomAD v4.1: 449 of 1,614,020 alleles (0.028%); highest among the groups gnomAD compares: East Asian, 0.76%; 2 homozygotes.

Submission:

Center for Genomics, Ann and Robert H. Lurie Children's Hospital of Chicago
Classification: Uncertain significance. Last evaluated: 2021-03-30. Review status: criteria provided, single submitter. Criteria: ACMG Guidelines, 2015. Collection method: clinical testing. Allele origin: germline.
Comment: SELP NM_003005.3 exon 7 p.Ala329Thr (c.985G>A): This variant has not been reported in the literature but is present in 0.5% (112/18858) of East Asian alleles in the Genome Aggregation Database. Evolutionary conservation and computational predictive tools suggest that this variant may not impact the protein. In summary, data on this variant is insufficient for disease classification. Therefore, the clinical significance of this variant is uncertain.